The following is an entry in ClinVar:

NM_000834.5(GRIN2B):c.2216T>C (p.Met739Thr)

Gene: GRIN2B (glutamate ionotropic receptor NMDA type subunit 2B; minus strand). Cytogenetic location: 12p13.1.
Variant type: single nucleotide variant.
Coding change: c.2216T>C on transcript NM_000834.5 (MANE Select); coding-DNA position 2216, T replaced by C.
Protein change: p.Met739Thr; replaces methionine 739 with threonine.
Molecular consequence: missense variant.
Genome position (GRCh38, 1-based): chr12:13,569,973, A>G on the plus strand (T>C on the coding strand, the complement: GRIN2B is on the minus strand). VCF-style: chr12-13569973-A-G. GRCh37 (hg19) VCF-style: chr12-13722907-A-G.
Other names: short protein forms M739T.
Identifiers: ClinVar variation 1685342 (VCV001685342.8), dbSNP rs1555103652, ClinGen allele CA383998269.
Genomic context (GRCh38, chr12:13,569,973, plus strand): 5'-GAAGCAAAGACCTTCCCACTGCCAATGGTCACCAGCTTGCAGCCTTCATCTCTGCCTGCC[A>G]TATAGTTCAGCACTGCTGCATCATAGATGAAGGCATCCAGTTTCCTGTACAGGAAAAAAG-3'
Protein context (NP_000825.2, residues 729-749): FIYDAAVLNY[Met739Thr]AGRDEGCKLV

ClinVar aggregate classification (germline): Pathogenic/Likely pathogenic. Review status: criteria provided, multiple submitters, no conflicts (2 of 4 stars). 3 submissions from 3 submitters: Pathogenic (1); Likely pathogenic (2). Last evaluated 2024-11-11.

Conditions:
Intellectual developmental disorder, autosomal dominant 6, with or without seizures. Also called: GRIN2B-related developmental delay, intellectual disability and autism spectrum disorder; Intellectual disability, autosomal dominant 6. Identifiers: Orphanet 589547, MedGen C3151411, MONDO:0013509, OMIM 613970.
Developmental and epileptic encephalopathy, 27 (DEE27). Also called: GRIN2B-Related Neurodevelopmental Disorder; Epileptic encephalopathy, early infantile, 27. Identifiers: Orphanet 3451, MedGen C4015316, MONDO:0014505, OMIM 616139.

Submissions (3):

Dasa
Classification: Likely pathogenic. Last evaluated: 2024-11-11. Review status: criteria provided, single submitter. Criteria: DASA Assertion Criteria. Collection method: clinical testing. Allele origin: germline.
Comment: NM_000834.5(GRIN2B):c.2216T>C (p.Met739Thr) is a missense variant that results in the substitution of methionine with threonine. The affected residue or protein region has prior evidence supporting clinical relevance. This variant has been reported in individuals with GRIN2B-related disorders (PMID: 31623504). Also, this variant is absent from population databases. Based on the currently available evidence, this variant is classified as likely pathogenic.

Mendelics
Classification: Likely pathogenic for Intellectual developmental disorder, autosomal dominant 6, with or without seizures. Last evaluated: 2022-05-04. Review status: criteria provided, single submitter. Criteria: Mendelics Assertion Criteria 2019. Collection method: clinical testing. Allele origin: germline.

Labcorp Genetics (formerly Invitae), Labcorp
Classification: Pathogenic for Developmental and epileptic encephalopathy, 27; Intellectual developmental disorder, autosomal dominant 6, with or without seizures. Last evaluated: 2022-02-28. Review status: criteria provided, single submitter. Criteria: Invitae Variant Classification Sherloc (09022015). Collection method: clinical testing. Allele origin: germline.
Comment: For these reasons, this variant has been classified as Pathogenic. This variant disrupts the p.Met739 amino acid residue in GRIN2B. Other variant(s) that disrupt this residue have been observed in individuals with GRIN2B-related conditions (PMID: 31623504), which suggests that this may be a clinically significant amino acid residue. Advanced modeling of protein sequence and biophysical properties (such as structural, functional, and spatial information, amino acid conservation, physicochemical variation, residue mobility, and thermodynamic stability) performed at Invitae indicates that this missense variant is expected to disrupt GRIN2B protein function. This missense change has been observed in individual(s) with clinical features of GRIN2B-related conditions (Invitae). In at least one individual the variant was observed to be de novo. This variant is not present in population databases (gnomAD no frequency). This sequence change replaces methionine, which is neutral and non-polar, with threonine, which is neutral and polar, at codon 739 of the GRIN2B protein (p.Met739Thr).

Literature cited by the submitters: PubMed 31623504 (cited by Dasa and Labcorp Genetics (formerly Invitae), Labcorp).